The following is an entry in ClinVar:

NM_000260.4(MYO7A):c.6267A>G (p.Ala2089=)

Gene: MYO7A (myosin VIIA; plus strand). Cytogenetic location: 11q13.5.
Variant type: single nucleotide variant.
Coding change: c.6267A>G on transcript NM_000260.4 (MANE Select); coding-DNA position 6267, A replaced by G.
Protein change: p.Ala2089=; no amino-acid change (alanine 2089 retained).
Molecular consequence: synonymous variant.
Genome position (GRCh38, 1-based): chr11:77,211,850, A>G. VCF-style: chr11-77211850-A-G. GRCh37 (hg19) VCF-style: chr11-76922895-A-G.
Other names: c.6153A>G, p.Ala2051= (NM_001127180.2); c.6120A>G, p.Ala2040= (NM_001369365.1).
Identifiers: ClinVar variation 505279 (VCV000505279.15), dbSNP rs564910239, ClinGen allele CA6198985.
Genomic context (GRCh38, chr11:77,211,850, plus strand): 5'-GAGCCCAGCCCTGACCGCCCTGTCCCCATAGTCCATCGTCGCCTACTTCAACAAGCACGC[A>G]GGGAAGTCCAAGGAGGAGGCCAAGCTGGCCTTCCTGAAGCTCATCTTCAAGTGGCCCACC-3'
Protein context (NP_000251.3, residues 2079-2099): RSIVAYFNKH[Ala2089=]GKSKEEAKLA

ClinVar aggregate classification (germline): Likely benign. Review status: criteria provided, multiple submitters, no conflicts (2 of 4 stars). 3 submissions from 3 submitters: Likely benign (3). Last evaluated 2024-09-26.

Allele frequency attached by ClinVar (database versions not stated): ExAC 0.00001; gnomAD 0.00001; 1000 Genomes Project 0.00020; 1000 Genomes Project 30x 0.00031; gnomAD exomes below 0.00001.
gnomAD v4.1: 3 of 1,613,988 alleles (0.00019%); highest among the groups gnomAD compares: Non-Finnish European, 0.00025%; no homozygotes.

Submissions (3):

Blueprint Genetics
Classification: Likely benign. Last evaluated: 2024-09-26. Review status: criteria provided, single submitter. Criteria: ACMG Guidelines, 2015. Collection method: clinical testing. Allele origin: germline.

Labcorp Genetics (formerly Invitae), Labcorp
Classification: Likely benign. Last evaluated: 2024-08-13. Review status: criteria provided, single submitter. Criteria: Invitae Variant Classification Sherloc (09022015). Collection method: clinical testing. Allele origin: germline.

Laboratory for Molecular Medicine, Mass General Brigham Personalized Medicine
Classification: Likely benign. Last evaluated: 2016-09-11. Review status: criteria provided, single submitter. Criteria: LMM Criteria. Collection method: clinical testing. Allele origin: germline. Observed: 1 variant allele.
Comment: p.Ala2089Ala in exon 46 of MYO7A: This variant is not expected to have clinical significance because it does not alter an amino acid residue and is not located within the splice consensus sequence. It has been identified in 1/66524 European chromosomes by the Exome Aggregation Consortium (ExAC; dbSNP rs564910239).